The following is an entry in ClinVar:

ClinVar aggregate classification (germline): Uncertain significance (1 of 4 stars; one submission).

Conditions:
Fanconi anemia (FA). Also called: Fanconi's anemia. Identifiers: Orphanet 84, MedGen C0015625, MeSH D005199, MONDO:0019391.

Submission:

Labcorp Genetics (formerly Invitae), Labcorp
Classification: Uncertain significance for Fanconi anemia. Last evaluated: 2019-12-04. Review status: criteria provided, single submitter. Criteria: Invitae Variant Classification Sherloc (09022015). Collection method: clinical testing. Allele origin: germline.
Comment: This variant results in a copy number gain of the genomic region encompassing the full coding sequence of the FANCA gene. The boundaries of this event are unknown as they extend beyond the assayed region for this gene and therefore may encompass additional genes. As the precise location of this event is unknown, it may be in tandem or it may be located elsewhere in the genome. This variant has not been reported in the literature in individuals with FANCA-related conditions. In summary, the available evidence is currently insufficient to determine the role of this variant in disease. Therefore, it has been classified as a Variant of Uncertain Significance.

NC_000016.10:g.(?_89738601)_(89816616_?)dup

Genes: FANCA (FA complementation group A; minus strand), ZNF276 (zinc finger protein 276; plus strand). Cytogenetic location: 16q24.3.
Variant type: Duplication.
Identifiers: ClinVar variation 830489 (VCV000830489.1).